The following is an entry in ClinVar:

ClinVar aggregate classification (germline): Uncertain significance. Review status: criteria provided, multiple submitters, no conflicts (2 of 4 stars). 2 submissions from 2 submitters: Uncertain significance (2). Last evaluated 2022-04-27.

Conditions:
Primary ciliary dyskinesia. Also called: Ciliary dyskinesia. Identifiers: Orphanet 244, MedGen C0008780, MONDO:0016575, HP:0012265.

Allele frequency attached by ClinVar (database versions not stated): gnomAD 0.00001; gnomAD exomes 0.00001; TOPMed 0.00002.

Submissions (2):

Ambry Genetics
Classification: Uncertain significance for Primary ciliary dyskinesia. Last evaluated: 2022-04-27. Review status: criteria provided, single submitter. Criteria: Ambry Variant Classification Scheme 2023. Collection method: clinical testing. Allele origin: germline.

Labcorp Genetics (formerly Invitae), Labcorp
Classification: Uncertain significance for Primary ciliary dyskinesia. Last evaluated: 2021-03-11. Review status: criteria provided, single submitter. Criteria: Invitae Variant Classification Sherloc (09022015). Collection method: clinical testing. Allele origin: germline.
Comment: The frequency data for this variant in the population databases is considered unreliable, as metrics indicate insufficient coverage at this position in the ExAC database. This sequence change replaces glycine with arginine at codon 112 of the DNAAF2 protein (p.Gly112Arg). The glycine residue is moderately conserved and there is a moderate physicochemical difference between glycine and arginine. This variant has not been reported in the literature in individuals with DNAAF2-related conditions. In summary, the available evidence is currently insufficient to determine the role of this variant in disease. Therefore, it has been classified as a Variant of Uncertain Significance. Algorithms developed to predict the effect of missense changes on protein structure and function are either unavailable or do not agree on the potential impact of this missense change (SIFT: "Tolerated"; PolyPhen-2: "Probably Damaging"; Align-GVGD: "Class C0").

NM_018139.3(DNAAF2):c.334G>C (p.Gly112Arg)

Gene: DNAAF2 (dynein axonemal assembly factor 2; minus strand). Cytogenetic location: 14q21.3.
Variant type: single nucleotide variant.
Coding change: c.334G>C on transcript NM_018139.3 (MANE Select); coding-DNA position 334, G replaced by C.
Protein change: p.Gly112Arg; replaces glycine 112 with arginine.
Molecular consequence: missense variant.
Genome position (GRCh38, 1-based): chr14:49,634,816, C>G on the plus strand (G>C on the coding strand, the complement: DNAAF2 is on the minus strand). VCF-style: chr14-49634816-C-G. GRCh37 (hg19) VCF-style: chr14-50101534-C-G.
Other names: c.334G>C, p.Gly112Arg (NM_001083908.2); c.334G>C (NM_018139.2); short protein forms G112R.
Identifiers: ClinVar variation 1411819 (VCV001411819.7), dbSNP rs1409395409, ClinGen allele CA389632069.